The following is an entry in ClinVar:

NM_000548.5(TSC2):c.5011G>C (p.Val1671Leu)

Gene: TSC2 (TSC complex subunit 2; plus strand). Cytogenetic location: 16p13.3.
Variant type: single nucleotide variant.
Coding change: c.5011G>C on transcript NM_000548.5 (MANE Select); coding-DNA position 5011, G replaced by C.
Protein change: p.Val1671Leu; replaces valine 1671 with leucine.
Molecular consequence: missense variant.
Genome position (GRCh38, 1-based): chr16:2,087,884, G>C. VCF-style: chr16-2087884-G-C. GRCh37 (hg19) VCF-style: chr16-2137885-G-C.
Other names: c.4810G>C, p.Val1604Leu (NM_001077183.3); c.4942G>C, p.Val1648Leu (NM_001114382.3); c.4702G>C, p.Val1568Leu (NM_001318827.2); c.4666G>C, p.Val1556Leu (NM_001318829.2); c.4279G>C, p.Val1427Leu (NM_001318831.2); c.4843G>C, p.Val1615Leu (NM_001318832.2); c.4813G>C, p.Val1605Leu (NM_001363528.2); c.4879G>C, p.Val1627Leu (NM_001370404.1); and 1 more; short protein forms V1605L, V1627L, V1648L, V1671L, V1568L, V1556L, V1604L, V1615L.
Identifiers: ClinVar variation 1404720 (VCV001404720.6), dbSNP rs775395648, ClinGen allele CA394311163.

ClinVar aggregate classification (germline): Uncertain significance (1 of 4 stars; one submission).

Conditions:
Tuberous sclerosis 2 (TSC2). Identifiers: Orphanet 805, MedGen C1860707, MONDO:0013199, OMIM 613254.

gnomAD v4.1: 1 of 1,612,560 alleles (0.000062%); highest among the groups gnomAD compares: Non-Finnish European, 0.000085%; no homozygotes.

Submission:

Labcorp Genetics (formerly Invitae), Labcorp
Classification: Uncertain significance for Tuberous sclerosis 2. Last evaluated: 2024-04-16. Review status: criteria provided, single submitter. Criteria: Invitae Variant Classification Sherloc (09022015). Collection method: clinical testing. Allele origin: germline.
Comment: This sequence change replaces valine, which is neutral and non-polar, with leucine, which is neutral and non-polar, at codon 1671 of the TSC2 protein (p.Val1671Leu). This variant is not present in population databases (gnomAD no frequency). This variant has not been reported in the literature in individuals affected with TSC2-related conditions. ClinVar contains an entry for this variant (Variation ID: 1404720). Advanced modeling of protein sequence and biophysical properties (such as structural, functional, and spatial information, amino acid conservation, physicochemical variation, residue mobility, and thermodynamic stability) performed at Invitae indicates that this missense variant is not expected to disrupt TSC2 protein function with a negative predictive value of 95%. This variant disrupts the p.Val1671 amino acid residue in TSC2. Other variant(s) that disrupt this residue have been determined to be pathogenic (PMID: 32211034). This suggests that this residue is clinically significant, and that variants that disrupt this residue are likely to be disease-causing. In summary, the available evidence is currently insufficient to determine the role of this variant in disease. Therefore, it has been classified as a Variant of Uncertain Significance.

Literature cited by the submitters: PubMed 32211034.